The following is an entry in ClinVar:

NM_005732.4(RAD50):c.3599G>A (p.Arg1200Gln)

Genes: RAD50 (RAD50 double strand break repair protein; plus strand), TH2-LCR (Th2 cytokine locus control region; plus strand), TH2LCRR (T helper type 2 locus control region associated RNA; minus strand). Cytogenetic location: 5q31.1.
Variant type: single nucleotide variant.
Coding change: c.3599G>A on transcript NM_005732.4 (MANE Select); coding-DNA position 3599, G replaced by A.
Protein change: p.Arg1200Gln; replaces arginine 1200 with glutamine.
Molecular consequence: missense variant. On other transcripts: non-coding transcript variant (3).
Genome position (GRCh38, 1-based): chr5:132,638,204, G>A. VCF-style: chr5-132638204-G-A. GRCh37 (hg19) VCF-style: chr5-131973896-G-A.
Other names: short protein forms R1200Q.
Identifiers: ClinVar variation 480461 (VCV000480461.16), dbSNP rs923849735, ClinGen allele CA360932348.

ClinVar aggregate classification (germline): Uncertain significance. Review status: criteria provided, multiple submitters, no conflicts (2 of 4 stars). 2 submissions from 2 submitters: Uncertain significance (2). Last evaluated 2023-01-29.

Conditions:
Hereditary cancer-predisposing syndrome. Also called: Hereditary Cancer Syndrome; Neoplastic Syndromes, Hereditary; Tumor predisposition; Hereditary neoplastic syndrome. Identifiers: Orphanet 140162, MedGen C0027672, MeSH D009386, MONDO:0015356.

Allele frequency attached by ClinVar (database versions not stated): gnomAD exomes below 0.00001.
gnomAD v4.1: 2 of 1,614,200 alleles (0.00012%); highest among the groups gnomAD compares: Non-Finnish European, 0.00017%; no homozygotes.

Submissions (2):

Ambry Genetics
Classification: Uncertain significance for Hereditary cancer-predisposing syndrome. Last evaluated: 2023-01-29. Review status: criteria provided, single submitter. Criteria: Ambry Variant Classification Scheme 2023. Collection method: clinical testing. Allele origin: germline.
Comment: The p.R1200Q variant (also known as c.3599G>A), located in coding exon 23 of the RAD50 gene, results from a G to A substitution at nucleotide position 3599. The arginine at codon 1200 is replaced by glutamine, an amino acid with highly similar properties. This amino acid position is highly conserved in available vertebrate species. In addition, this alteration is predicted to be deleterious by in silico analysis. Since supporting evidence is conflicting at this time, the clinical significance of this alteration remains unclear.

Labcorp Genetics (formerly Invitae), Labcorp
Classification: Uncertain significance for Hereditary cancer-predisposing syndrome. Last evaluated: 2022-04-03. Review status: criteria provided, single submitter. Criteria: Invitae Variant Classification Sherloc (09022015). Collection method: clinical testing. Allele origin: germline.
Comment: This variant is not present in population databases (gnomAD no frequency). This sequence change replaces arginine, which is basic and polar, with glutamine, which is neutral and polar, at codon 1200 of the RAD50 protein (p.Arg1200Gln). This variant has not been reported in the literature in individuals affected with RAD50-related conditions. ClinVar contains an entry for this variant (Variation ID: 480461). Algorithms developed to predict the effect of missense changes on protein structure and function are either unavailable or do not agree on the potential impact of this missense change (SIFT: "Deleterious"; PolyPhen-2: "Probably Damaging"; Align-GVGD: "Class C0"). In summary, the available evidence is currently insufficient to determine the role of this variant in disease. Therefore, it has been classified as a Variant of Uncertain Significance.